The following is an entry in ClinVar:

ClinVar aggregate classification (germline): Uncertain significance (1 of 4 stars; one submission).

Conditions:
X-linked intellectual disability Cabezas type (MRXSC). Also called: MENTAL RETARDATION, X-LINKED, SYNDROMIC 15; CABEZAS SYNDROME; Intellectual developmental disorder, X-linked syndromic, Cabezas type. Identifiers: Orphanet 85289, Orphanet 85293, MedGen C1845861, MONDO:0010306, OMIM 300354.

Submission:

Neuberg Centre For Genomic Medicine, NCGM
Classification: Uncertain significance for X-linked intellectual disability Cabezas type. Review status: criteria provided, single submitter. Criteria: ACMG Guidelines, 2015. Collection method: clinical testing. Allele origin: germline. Inheritance: X-linked inheritance. Affected: yes.
Comment: The missense variant in c.333C>A in CUL4B gene has not been reported previously as a pathogenic variant nor as a benign variant, to our knowledge. The p.Ser111Arg variant is novel (not in any individuals) in gnomAD Exomes and 1000 Genomes. This variant has not been reported to the ClinVar database. The amino acid Ser at position 111 is changed to a Arg changing protein sequence and it might alter its composition and physico-chemical properties. The variant is predicted to be damaging by SIFT and the residue is conserved across species. The amino acid change p.Ser111Arg in CUL4B is predicted as conserved by GERP++ and PhyloP across 100 vertebrates. For these reasons, this variant has been classified as Uncertain Significance (VUS).

NM_001079872.2(CUL4B):c.279C>A (p.Ser93Arg)

Genes: CUL4B (cullin 4B; minus strand), LOC113845788 (Sharpr-MPRA regulatory region 11856; plus strand). Cytogenetic location: Xq24.
Variant type: single nucleotide variant.
Coding change: c.279C>A on transcript NM_001079872.2 (MANE Select); coding-DNA position 279, C replaced by A.
Protein change: p.Ser93Arg; replaces serine 93 with arginine.
Molecular consequence: missense variant.
Genome position (GRCh38, 1-based): chrX:120,560,360, G>T on the plus strand (C>A on the coding strand, the complement: CUL4B is on the minus strand). VCF-style: chrX-120560360-G-T. GRCh37 (hg19) VCF-style: chrX-119694215-G-T.
Other names: c.294C>A, p.Ser98Arg (NM_001330624.2); c.333C>A, p.Ser111Arg (NM_003588.4); short protein forms S98R, S111R, S93R.
Identifiers: ClinVar variation 2585498 (VCV002585498.1), dbSNP rs2521199474, ClinGen allele CA414205643.